The following is an entry in ClinVar:

NM_001122630.2(CDKN1C):c.827C>T (p.Ser276Leu)

Gene: CDKN1C (cyclin dependent kinase inhibitor 1C; minus strand). Cytogenetic location: 11p15.4.
Variant type: single nucleotide variant.
Coding change: c.827C>T on transcript NM_001122630.2 (MANE Select); coding-DNA position 827, C replaced by T.
Protein change: p.Ser276Leu; replaces serine 276 with leucine.
Molecular consequence: missense variant.
Genome position (GRCh38, 1-based): chr11:2,884,095, G>A on the plus strand (C>T on the coding strand, the complement: CDKN1C is on the minus strand). VCF-style: chr11-2884095-G-A. GRCh37 (hg19) VCF-style: chr11-2905325-G-A.
Other names: c.860C>T, p.Ser287Leu (NM_000076.2, NM_001362474.2, LRG_533t1); c.827C>T, p.Ser276Leu (NM_001122631.2); c.295C>T, p.Arg99Cys (NM_001362475.2); short protein forms S287L, S276L, R99C.
Identifiers: ClinVar variation 524692 (VCV000524692.15), dbSNP rs928007699, ClinGen allele CA216366946.

ClinVar aggregate classification (germline): Uncertain significance. Review status: criteria provided, multiple submitters, no conflicts (2 of 4 stars). 4 submissions from 4 submitters: Uncertain significance (4). Last evaluated 2025-06-20.

Conditions:
CDKN1C-related disorder. Also called: CDKN1C-related condition.
Beckwith-Wiedemann syndrome (BWS). Also called: Exomphalos macroglossia gigantism syndrome; EMG SYNDROME. Identifiers: Orphanet 116, MedGen C0004903, MONDO:0007534, OMIM 130650.

Allele frequency attached by ClinVar (database versions not stated): gnomAD 0.00002 and 0.00001; TOPMed 0.00001; gnomAD exomes 0.00001.

Submissions (4):

Dasa
Classification: Uncertain significance. Last evaluated: 2025-06-20. Review status: criteria provided, single submitter. Criteria: DASA Assertion Criteria. Collection method: clinical testing. Allele origin: germline.
Comment: NM_001122630.2(CDKN1C):c.827C>T (p.Ser276Leu) is a missense variant that results in the substitution of serine with leucine. This variant is rare in population databases. Computational prediction algorithms are consistent with a benign effect. The currently available literature and clinical evidence are not sufficient to establish a definitive association between this variant and the reported condition. Therefore, this variant is classified as a variant of uncertain significance.

Labcorp Genetics (formerly Invitae), Labcorp
Classification: Uncertain significance for Beckwith-Wiedemann syndrome. Last evaluated: 2025-05-27. Review status: criteria provided, single submitter. Criteria: Invitae Variant Classification Sherloc (09022015). Collection method: clinical testing. Allele origin: germline.
Comment: This sequence change replaces serine, which is neutral and polar, with leucine, which is neutral and non-polar, at codon 287 of the CDKN1C protein (p.Ser287Leu). The frequency data for this variant in the population databases is considered unreliable, as metrics indicate poor data quality at this position in the gnomAD database. This variant has not been reported in the literature in individuals affected with CDKN1C-related conditions. ClinVar contains an entry for this variant (Variation ID: 524692). Invitae Evidence Modeling of protein sequence and biophysical properties (such as structural, functional, and spatial information, amino acid conservation, physicochemical variation, residue mobility, and thermodynamic stability) indicates that this missense variant is not expected to disrupt CDKN1C protein function with a negative predictive value of 80%. In summary, the available evidence is currently insufficient to determine the role of this variant in disease. Therefore, it has been classified as a Variant of Uncertain Significance.

Baylor Genetics
Classification: Uncertain significance for Beckwith-Wiedemann syndrome. Last evaluated: 2023-07-07. Review status: criteria provided, single submitter. Criteria: ACMG Guidelines, 2015. Collection method: clinical testing. Allele origin: unknown.

PreventionGenetics, part of Exact Sciences
Classification: Uncertain significance for CDKN1C-related condition. Last evaluated: 2023-05-03. Review status: criteria provided, single submitter. Criteria: ACMG Guidelines, 2015. Collection method: clinical testing. Allele origin: germline.
Comment: The CDKN1C c.860C>T variant is predicted to result in the amino acid substitution p.Ser287Leu. To our knowledge, this variant has not been reported in the literature. This variant is reported in 0.0072% of alleles in individuals of European (Finnish) descent in gnomAD. At this time, the clinical significance of this variant is uncertain due to the absence of conclusive functional and genetic evidence.